The following is an entry in ClinVar:

NM_004100.5(EYA4):c.680C>T (p.Ser227Phe)

Gene: EYA4 (EYA transcriptional coactivator and phosphatase 4; plus strand). Cytogenetic location: 6q23.2.
Variant type: single nucleotide variant.
Coding change: c.680C>T on transcript NM_004100.5 (MANE Select); coding-DNA position 680, C replaced by T.
Protein change: p.Ser227Phe; replaces serine 227 with phenylalanine.
Molecular consequence: missense variant.
Genome position (GRCh38, 1-based): chr6:133,462,720, C>T. VCF-style: chr6-133462720-C-T. GRCh37 (hg19) VCF-style: chr6-133783858-C-T.
Other names: c.518C>T, p.Ser173Phe (NM_001301012.2, NM_001370459.1); c.680C>T, p.Ser227Phe (NM_001301013.2, NM_172105.4); c.611C>T, p.Ser204Phe (NM_001370458.1, NM_172103.4); short protein forms S204F, S173F, S227F.
Identifiers: ClinVar variation 2828443 (VCV002828443.3), dbSNP rs138215807, ClinGen allele CA4008125.

ClinVar aggregate classification (germline): Uncertain significance (1 of 4 stars; one submission).

Conditions:
Dilated cardiomyopathy 1J (CMD1J). Also called: CARDIOMYOPATHY, DILATED, WITH SENSORINEURAL HEARING LOSS, AUTOSOMAL DOMINANT. Identifiers: Orphanet 217622, MedGen C1854368, MONDO:0011541, OMIM 605362.

Allele frequency attached by ClinVar (database versions not stated): ExAC 0.00001; gnomAD 0.00001; TOPMed 0.00001; ESP Exome Variant Server 0.00008.
gnomAD v4.1: 1 of 1,613,790 alleles (0.000062%); highest among the groups gnomAD compares: Non-Finnish European, 0.000085%; no homozygotes.

Submission:

Labcorp Genetics (formerly Invitae), Labcorp
Classification: Uncertain significance for Dilated cardiomyopathy 1J. Last evaluated: 2023-03-24. Review status: criteria provided, single submitter. Criteria: Invitae Variant Classification Sherloc (09022015). Collection method: clinical testing. Allele origin: germline.
Comment: This sequence change replaces serine, which is neutral and polar, with phenylalanine, which is neutral and non-polar, at codon 227 of the EYA4 protein (p.Ser227Phe). This variant is present in population databases (rs138215807, gnomAD 0.0009%). This variant has not been reported in the literature in individuals affected with EYA4-related conditions. Advanced modeling of protein sequence and biophysical properties (such as structural, functional, and spatial information, amino acid conservation, physicochemical variation, residue mobility, and thermodynamic stability) performed at Invitae indicates that this missense variant is not expected to disrupt EYA4 protein function. In summary, the available evidence is currently insufficient to determine the role of this variant in disease. Therefore, it has been classified as a Variant of Uncertain Significance.